The following is an entry in ClinVar:

ClinVar aggregate classification (germline): Likely benign. Review status: criteria provided, multiple submitters, no conflicts (2 of 4 stars). 5 submissions from 5 submitters: Likely benign (5). Last evaluated 2026-05-01.

Conditions:
Norman-Roberts syndrome (LIS2). Also called: Lissencephaly 2 (Norman-Roberts type). Identifiers: Orphanet 89844, MedGen C0796089, MONDO:0009760, OMIM 257320.
Familial temporal lobe epilepsy 7. Identifiers: Orphanet 101046, MedGen C4225327, MONDO:0014639, OMIM 616436.

Allele frequency attached by ClinVar (database versions not stated): gnomAD 0.00020 and 0.00016; gnomAD exomes 0.00021; 1000 Genomes Project 30x 0.00031; 1000 Genomes Project 0.00040; TOPMed 0.00017; ExAC 0.00020.
gnomAD v4.1: 158 of 1,613,390 alleles (0.0098%); highest among the groups gnomAD compares: Admixed American, 0.097%; 4 homozygotes.

Submissions (5):

CeGaT Center for Human Genetics Tuebingen
Classification: Likely benign. Last evaluated: 2026-05-01. Review status: criteria provided, single submitter. Criteria: CeGaT Center For Human Genetics Tuebingen Variant Classification Criteria Version 2. Collection method: clinical testing. Allele origin: germline. Affected: yes. Observed: 2 variant alleles.
Comment: RELN: BP4, BP7

Labcorp Genetics (formerly Invitae), Labcorp
Classification: Likely benign for Familial temporal lobe epilepsy 7; Norman-Roberts syndrome. Last evaluated: 2026-01-12. Review status: criteria provided, single submitter. Criteria: Invitae Variant Classification Sherloc (09022015). Collection method: clinical testing. Allele origin: germline.

Blueprint Genetics
Classification: Likely benign. Last evaluated: 2024-08-08. Review status: criteria provided, single submitter. Criteria: ACMG Guidelines, 2015. Collection method: clinical testing. Allele origin: germline.

Genetic Services Laboratory, University of Chicago
Classification: Likely benign. Last evaluated: 2017-10-13. Review status: criteria provided, single submitter. Criteria: ACMG Guidelines, 2015. Collection method: clinical testing. Allele origin: germline. Affected: no.

Athena Diagnostics
Classification: Likely benign. Last evaluated: 2017-03-15. Review status: criteria provided, single submitter. Criteria: Athena Diagnostics Criteria. Collection method: clinical testing. Allele origin: germline.

NM_005045.4(RELN):c.2532G>A (p.Pro844=)

Gene: RELN (reelin; minus strand). Cytogenetic location: 7q22.1.
Variant type: single nucleotide variant.
Coding change: c.2532G>A on transcript NM_005045.4 (MANE Select); coding-DNA position 2532, G replaced by A.
Protein change: p.Pro844=; no amino-acid change (proline 844 retained).
Molecular consequence: synonymous variant.
Genome position (GRCh38, 1-based): chr7:103,630,110, C>T on the plus strand (G>A on the coding strand, the complement: RELN is on the minus strand). VCF-style: chr7-103630110-C-T. GRCh37 (hg19) VCF-style: chr7-103270557-C-T.
Other names: c.2532G>A, p.Pro844= (NM_173054.3).
Identifiers: ClinVar variation 448162 (VCV000448162.22), dbSNP rs113842330, ClinGen allele CA4421983.